The following is an entry in ClinVar:

NM_000423.3(KRT2):c.865G>A (p.Val289Met)

Gene: KRT2 (keratin 2; minus strand). Cytogenetic location: 12q13.13.
Variant type: single nucleotide variant.
Coding change: c.865G>A on transcript NM_000423.3 (MANE Select); coding-DNA position 865, G replaced by A.
Protein change: p.Val289Met; replaces valine 289 with methionine.
Molecular consequence: missense variant.
Genome position (GRCh38, 1-based): chr12:52,649,099, C>T on the plus strand (G>A on the coding strand, the complement: KRT2 is on the minus strand). VCF-style: chr12-52649099-C-T. GRCh37 (hg19) VCF-style: chr12-53042883-C-T.
Other names: short protein forms V289M.
Identifiers: ClinVar variation 2178437 (VCV002178437.4), dbSNP rs760110296, ClinGen allele CA6585679.

ClinVar aggregate classification (germline): Uncertain significance (1 of 4 stars; one submission).

Allele frequency attached by ClinVar (database versions not stated): gnomAD exomes 0.00001; ExAC 0.00002; gnomAD 0.00003; TOPMed 0.00003.
gnomAD v4.1: 16 of 1,607,070 alleles (0.001%); highest among the groups gnomAD compares: African/African-American, 0.008%; no homozygotes.

Submission:

Labcorp Genetics (formerly Invitae), Labcorp
Classification: Uncertain significance. Last evaluated: 2022-03-11. Review status: criteria provided, single submitter. Criteria: Invitae Variant Classification Sherloc (09022015). Collection method: clinical testing. Allele origin: germline.
Comment: In summary, the available evidence is currently insufficient to determine the role of this variant in disease. Therefore, it has been classified as a Variant of Uncertain Significance. Algorithms developed to predict the effect of missense changes on protein structure and function are either unavailable or do not agree on the potential impact of this missense change (SIFT: "Deleterious"; PolyPhen-2: "Probably Damaging"; Align-GVGD: "Class C15"). This variant has not been reported in the literature in individuals affected with KRT2-related conditions. The frequency data for this variant in the population databases is considered unreliable, as metrics indicate poor data quality at this position in the gnomAD database. This sequence change replaces valine, which is neutral and non-polar, with methionine, which is neutral and non-polar, at codon 289 of the KRT2 protein (p.Val289Met).